The following is an entry in ClinVar:

ClinVar aggregate classification (germline): Uncertain significance. Review status: criteria provided, multiple submitters, no conflicts (2 of 4 stars). 2 submissions from 2 submitters: Uncertain significance (2). Last evaluated 2024-08-21.

Submissions (2):

Women's Health and Genetics/Laboratory Corporation of America, LabCorp
Classification: Uncertain significance. Last evaluated: 2024-08-21. Review status: criteria provided, single submitter. Criteria: LabCorp Variant Classification Summary - May 2015. Collection method: clinical testing. Allele origin: germline.
Comment: Variant summary: AMHR2 c.352G>A (p.Ala118Thr) results in a non-conservative amino acid change located in the Protein kinase domain (IPR000719) of the encoded protein sequence. Four of five in-silico tools predict a damaging effect of the variant on protein function. The variant allele was found at a frequency of 6.4e-05 in 251318 control chromosomes. This frequency is not significantly higher than estimated for a pathogenic variant in AMHR2 causing Persistent Mullerian duct syndrome, allowing no conclusion about variant significance. c.352G>A has been reported in the literature in individuals affected with Persistent Mullerian duct syndrome as a heterozygous or unreported genotype (e.g. Josso_2013, Picard_2017). These reports do not provide unequivocal conclusions about association of the variant with Persistent Mullerian duct syndrome. To our knowledge, no experimental evidence demonstrating an impact on protein function has been reported. The following publications have been ascertained in the context of this evaluation (PMID: 24382961, 28528332). No submitters have cited clinical-significance assessments for this variant to ClinVar. Based on the evidence outlined above, the variant was classified as uncertain significance.

Blueprint Genetics
Classification: Uncertain significance. Last evaluated: 2023-03-13. Review status: criteria provided, single submitter. Criteria: ACMG Guidelines, 2015. Collection method: clinical testing. Allele origin: germline.

Literature cited by the submitters: PubMed 28528332 (cited by Women's Health and Genetics/Laboratory Corporation of America, LabCorp); PubMed 24382961 (cited by Women's Health and Genetics/Laboratory Corporation of America, LabCorp).

NM_020547.3(AMHR2):c.352G>A (p.Ala118Thr)

Gene: AMHR2 (anti-Mullerian hormone receptor type 2; plus strand). Cytogenetic location: 12q13.13.
Variant type: single nucleotide variant.
Coding change: c.352G>A on transcript NM_020547.3 (MANE Select); coding-DNA position 352, G replaced by A.
Protein change: p.Ala118Thr; replaces alanine 118 with threonine.
Molecular consequence: missense variant.
Genome position (GRCh38, 1-based): chr12:53,424,828, G>A. VCF-style: chr12-53424828-G-A. GRCh37 (hg19) VCF-style: chr12-53818612-G-A.
Other names: c.352G>A, p.Ala118Thr (NM_001164690.2, NM_001164691.2); short protein forms A118T.
Identifiers: ClinVar variation 3366679 (VCV003366679.2).